The following is an entry in ClinVar:

NM_004186.5(SEMA3F):c.1042C>T (p.Gln348Ter)

Gene: SEMA3F (semaphorin 3F; plus strand). Cytogenetic location: 3p21.31.
Variant type: single nucleotide variant.
Coding change: c.1042C>T on transcript NM_004186.5 (MANE Select); coding-DNA position 1042, C replaced by T.
Protein change: p.Gln348Ter; replaces glutamine 348 with a stop codon.
Molecular consequence: nonsense.
Genome position (GRCh38, 1-based): chr3:50,183,209, C>T. VCF-style: chr3-50183209-C-T. GRCh37 (hg19) VCF-style: chr3-50220642-C-T.
Other names: c.745C>T, p.Gln249Ter (NM_001318798.2); c.949C>T, p.Gln317Ter (NM_001318800.2); short protein forms Q348*, Q249*, Q317*.
Identifiers: ClinVar variation 4992014 (VCV004992014.1).

ClinVar aggregate classification (germline): Uncertain significance (1 of 4 stars; one submission).

Conditions:
SEMA3F-related disorder. Also called: SEMA3F-related condition.

gnomAD v4.1: 1 of 1,614,148 alleles (0.000062%); highest among the groups gnomAD compares: Non-Finnish European, 0.000085%; no homozygotes.

Submission:

PreventionGenetics, part of Exact Sciences
Classification: Uncertain significance for SEMA3F-related condition. Last evaluated: 2026-05-08. Review status: criteria provided, single submitter. Criteria: ACMG Guidelines, 2015. Collection method: clinical testing. Allele origin: germline.
Comment: The SEMA3F c.1042C>T variant is predicted to result in premature protein termination (p.Gln348*). To our knowledge, this variant has not been reported in the literature or in a large population database (gnomAD), indicating this variant is rare. Loss of function is not an established mechanism of SEMA3F-related disease. At this time, the clinical significance of this variant is uncertain due to the absence of conclusive functional and genetic evidence.